The following is an entry in ClinVar:

NM_002474.3(MYH11):c.2992T>C (p.Ser998Pro)

Gene: MYH11 (myosin heavy chain 11; minus strand). Cytogenetic location: 16p13.11.
Variant type: single nucleotide variant.
Coding change: c.2992T>C on transcript NM_002474.3 (MANE Select); coding-DNA position 2992, T replaced by C.
Protein change: p.Ser998Pro; replaces serine 998 with proline.
Molecular consequence: missense variant.
Genome position (GRCh38, 1-based): chr16:15,740,056, A>G on the plus strand (T>C on the coding strand, the complement: MYH11 is on the minus strand). VCF-style: chr16-15740056-A-G. GRCh37 (hg19) VCF-style: chr16-15833913-A-G.
Other names: c.3013T>C, p.Ser1005Pro (NM_001040113.2, NM_001040114.2); c.2992T>C, p.Ser998Pro (NM_022844.3); short protein forms S998P, S1005P.
Identifiers: ClinVar variation 1369047 (VCV001369047.6), dbSNP rs2151247943, ClinGen allele CA394864579.
Genomic context (GRCh38, chr16:15,740,056, plus strand): 5'-CCTCCCAAAGTGCTCGGATTATAGGCGTGAGCCACTGCACCCGGCCCCTACTCACTTTTG[A>G]TAGTTTATTGTTCTGATCATCCATGACCAGGATCTCATCCTCCAGTTTCTTGATCTTGGC-3'
Protein context (NP_002465.1, residues 988-1008): LVMDDQNNKL[Ser998Pro]KERKLLEERI

ClinVar aggregate classification (germline): Uncertain significance (1 of 4 stars; one submission).

Conditions:
Aortic aneurysm, familial thoracic 4 (AAT4). Also called: AORTIC ANEURYSM/AORTIC DISSECTION AND PATENT DUCTUS ARTERIOSUS. Identifiers: MedGen C1851504, MONDO:0007568, OMIM 132900.

gnomAD v4.1: 1 of 1,613,996 alleles (0.000062%); highest among the groups gnomAD compares: Non-Finnish European, 0.000085%; no homozygotes.

Submission:

Labcorp Genetics (formerly Invitae), Labcorp
Classification: Uncertain significance for Aortic aneurysm, familial thoracic 4. Last evaluated: 2025-11-18. Review status: criteria provided, single submitter. Criteria: Invitae Variant Classification Sherloc (09022015). Collection method: clinical testing. Allele origin: germline.
Comment: This sequence change replaces serine, which is neutral and polar, with proline, which is neutral and non-polar, at codon 1005 of the MYH11 protein (p.Ser1005Pro). This variant is not present in population databases (gnomAD no frequency). This variant has not been reported in the literature in individuals affected with MYH11-related conditions. ClinVar contains an entry for this variant (Variation ID: 1369047). Invitae Evidence Modeling of protein sequence and biophysical properties (such as structural, functional, and spatial information, amino acid conservation, physicochemical variation, residue mobility, and thermodynamic stability) indicates that this missense variant is not expected to disrupt MYH11 protein function with a negative predictive value of 95%. In summary, the available evidence is currently insufficient to determine the role of this variant in disease. Therefore, it has been classified as a Variant of Uncertain Significance.